The following is an entry in ClinVar:

NM_001164508.2(NEB):c.4366G>T (p.Glu1456Ter)

Gene: NEB (nebulin; minus strand). Cytogenetic location: 2q23.3.
Variant type: single nucleotide variant.
Coding change: c.4366G>T on transcript NM_001164508.2 (MANE Select); coding-DNA position 4366, G replaced by T.
Protein change: p.Glu1456Ter; replaces glutamic acid 1456 with a stop codon.
Molecular consequence: nonsense.
Genome position (GRCh38, 1-based): chr2:151,671,163, C>A on the plus strand (G>T on the coding strand, the complement: NEB is on the minus strand). VCF-style: chr2-151671163-C-A. GRCh37 (hg19) VCF-style: chr2-152527677-C-A.
Other names: c.4366G>T, p.Glu1456Ter (NM_001164507.2, NM_001271208.2, NM_004543.5); short protein forms E1456*.
Identifiers: ClinVar variation 3377012 (VCV003377012.1).
Genomic context (GRCh38, chr2:151,671,163, plus strand): 5'-GGTGCTGTCGATACTTCCTCTCATTTAATGCATCGCCTGCTTTCTTGACCTTCTCCACCT[C>A]CAGGGAACCAATAGGGATCCATCCGATGCCCTTCAAGAAGCTGTTATACTCGTCTTTATA-3'

ClinVar aggregate classification (germline): Pathogenic (1 of 4 stars; one submission).

Conditions:
Arthrogryposis multiplex congenita 6. Identifiers: MedGen C5543431, MONDO:0030281, OMIM 619334.

gnomAD v4.1: 1 of 1,613,974 alleles (0.000062%); highest among the groups gnomAD compares: Non-Finnish European, 0.000085%; no homozygotes.

Submission:

Victorian Clinical Genetics Services, Murdoch Childrens Research Institute
Classification: Pathogenic for Arthrogryposis multiplex congenita 6. Last evaluated: 2024-10-09. Review status: criteria provided, single submitter. Criteria: ACMG Guidelines, 2015. Collection method: clinical testing. Allele origin: germline. Inheritance: Autosomal recessive inheritance. Affected: yes.
Comment: Based on the classification scheme VCGS_Germline_v1.3.4, this variant is classified as Pathogenic. Following criteria are met: 0102 - Loss of function is a known mechanism of disease in this gene and is associated with arthrogryposis multiplex congenita 6 (MIM#619334) and nemaline myopathy 2 (MIM#256030). (I) 0106 - This gene is associated with autosomal recessive disease. (I) 0201 - Variant is predicted to cause nonsense-mediated decay (NMD) and loss of protein (premature termination codon is located at least 54 nucleotides upstream of the final exon-exon junction). (SP) 0251 - This variant is heterozygous. (I) 0301 - Variant is absent from gnomAD (both v2 and v3). (SP) 0701 - Other NMD-predicted variants comparable to the one identified in this case have very strong previous evidence for pathogenicity (DECIPHER). (SP) 0807 - This variant has no previous evidence of pathogenicity. (I) 0905 - No published segregation evidence has been identified for this variant. (I) 1007 - No published functional evidence has been identified for this variant. (I) Legend: (SP) - Supporting pathogenic, (I) - Information, (SB) - Supporting benign